The following is an entry in ClinVar:

ClinVar aggregate classification (germline): Uncertain significance. Review status: criteria provided, multiple submitters, no conflicts (2 of 4 stars). 2 submissions from 2 submitters: Uncertain significance (2). Last evaluated 2025-01-23.

Conditions:
Inborn genetic diseases. Identifiers: MedGen C0950123, MeSH D030342.

Submissions (2):

Ambry Genetics
Classification: Uncertain significance for Inborn genetic diseases. Last evaluated: 2025-01-23. Review status: criteria provided, single submitter. Criteria: Ambry Variant Classification Scheme 2023. Collection method: clinical testing. Allele origin: germline.

Labcorp Genetics (formerly Invitae), Labcorp
Classification: Uncertain significance. Last evaluated: 2024-09-10. Review status: criteria provided, single submitter. Criteria: Invitae Variant Classification Sherloc (09022015). Collection method: clinical testing. Allele origin: germline.
Comment: This sequence change replaces serine, which is neutral and polar, with isoleucine, which is neutral and non-polar, at codon 317 of the CASQ1 protein (p.Ser317Ile). This variant is present in population databases (no rsID available, gnomAD 0.02%). This variant has not been reported in the literature in individuals affected with CASQ1-related conditions. Invitae Evidence Modeling of protein sequence and biophysical properties (such as structural, functional, and spatial information, amino acid conservation, physicochemical variation, residue mobility, and thermodynamic stability) indicates that this missense variant is not expected to disrupt CASQ1 protein function with a negative predictive value of 80%. In summary, the available evidence is currently insufficient to determine the role of this variant in disease. Therefore, it has been classified as a Variant of Uncertain Significance.

NM_001231.5(CASQ1):c.950G>T (p.Ser317Ile)

Gene: CASQ1 (calsequestrin 1; plus strand). Cytogenetic location: 1q23.2.
Variant type: single nucleotide variant.
Coding change: c.950G>T on transcript NM_001231.5 (MANE Select); coding-DNA position 950, G replaced by T.
Protein change: p.Ser317Ile; replaces serine 317 with isoleucine.
Molecular consequence: missense variant.
Genome position (GRCh38, 1-based): chr1:160,199,019, G>T. VCF-style: chr1-160199019-G-T. GRCh37 (hg19) VCF-style: chr1-160168809-G-T.
Other names: c.950G>T (NM_001231.4); short protein forms S317I.
Identifiers: ClinVar variation 3695521 (VCV003695521.3).